The following is an entry in ClinVar:

ClinVar aggregate classification (germline): Uncertain significance (1 of 4 stars; one submission).

Conditions:
Tumor predisposition syndrome 3 (TPDS3). Also called: Glioma susceptibility 9; LONG TELOMERE SYNDROME, POT1-RELATED; POT1 Tumor Predisposition; Melanoma, cutaneous malignant, susceptibility to, 10. Identifiers: Orphanet 618, MedGen C4014476, MONDO:0014368, OMIM 615848.

Submission:

Labcorp Genetics (formerly Invitae), Labcorp
Classification: Uncertain significance for Tumor predisposition syndrome 3. Last evaluated: 2020-09-08. Review status: criteria provided, single submitter. Criteria: Invitae Variant Classification Sherloc (09022015). Collection method: clinical testing. Allele origin: germline.
Comment: In summary, this variant has uncertain impact on POT1 function. There is no indication that it causes disease, but the available evidence is currently insufficient to prove that conclusively. Therefore, it has been classified as a Variant of Uncertain Significance. Experimental studies and prediction algorithms are not available for this variant, and the functional significance of the duplicated amino acids is currently unknown. This variant has not been reported in the literature in individuals with a POT1-related disease. This variant is not present in population databases (ExAC no frequency). This variant, c.1474_1491del, results in the deletion of 6 amino acids of the POT1 protein (p.Phe492_Thr497del), but otherwise preserves the integrity of the reading frame.

NM_015450.3(POT1):c.1474_1491del (p.Phe492_Thr497del)

Gene: POT1 (protection of telomeres 1; minus strand). Cytogenetic location: 7q31.33.
Variant type: Deletion.
Coding change: c.1474_1491del on transcript NM_015450.3 (MANE Select); coding-DNA positions 1474 to 1491, 18 bases deleted (TTTCTTATACAAGGAACA).
Protein change: p.Phe492_Thr497del.
Molecular consequence: inframe deletion. On other transcripts: non-coding transcript variant (3).
Genome position (GRCh38, 1-based): chr7:124,835,293-124,835,310, TGTTCCTTGTATAAGAAA deleted on the plus strand (TTTCTTATACAAGGAACA on the coding strand, the reverse complement: POT1 is on the minus strand); deleting any 18 consecutive bases within chr7:124,835,293-124,835,312 gives the same sequence; the c. name uses the placement nearest the transcript's 3' end. VCF-style (leftmost placement, unchanged base first): chr7-124835292-TTGTTCCTTGTATAAGAAA-T. GRCh37 (hg19) VCF-style: chr7-124475346-TTGTTCCTTGTATAAGAAA-T.
Other names: c.1081_1098del, p.Phe361_Thr366del (NM_001042594.2).
Identifiers: ClinVar variation 475045 (VCV000475045.9), dbSNP rs1554418234, ClinGen allele CA658657709.
Genomic context (GRCh38, chr7:124,835,292, plus strand): 5'-AAAAGTATAATAAACAAAACAAAACAAAACAAAACAAAACAAAATACCCATAGTGATGTA[TTGTTCCTTGTATAAGAAA>T]TGGTGCTGAAAGGTCCAAAAGTTCCAGGTCTTCGTGGCCAGATCTCACAGGAATTACACT-3'